The following is an entry in ClinVar:

NM_000051.4(ATM):c.4956G>A (p.Leu1652=)

Gene: ATM (ATM serine/threonine kinase; plus strand). Cytogenetic location: 11q22.3.
Variant type: single nucleotide variant.
Coding change: c.4956G>A on transcript NM_000051.4 (MANE Select); coding-DNA position 4956, G replaced by A.
Protein change: p.Leu1652=; no amino-acid change (leucine 1652 retained).
Molecular consequence: synonymous variant.
Genome position (GRCh38, 1-based): chr11:108,297,333, G>A. VCF-style: chr11-108297333-G-A. GRCh37 (hg19) VCF-style: chr11-108168060-G-A.
Other names: c.4956G>A, p.Leu1652= (NM_001351834.2).
Identifiers: ClinVar variation 1594268 (VCV001594268.12), dbSNP rs2135862508, ClinGen allele CA476674607.

ClinVar aggregate classification (germline): Benign/Likely benign. Review status: criteria provided, multiple submitters, no conflicts (2 of 4 stars). 3 submissions from 3 submitters: Benign (1); Likely benign (2). Last evaluated 2025-06-20.

Conditions:
Hereditary cancer-predisposing syndrome. Also called: Hereditary Cancer Syndrome; Tumor predisposition; Neoplastic Syndromes, Hereditary; Hereditary neoplastic syndrome. Identifiers: Orphanet 140162, MedGen C0027672, MeSH D009386, MONDO:0015356.
Ataxia-telangiectasia syndrome (AT). Also called: Ataxia telangiectasia (A-T); Cerebello-oculocutaneous telangiectasia; Immunodeficiency with ataxia telangiectasia; AT, COMPLEMENTATION GROUP C; LOUIS-BAR SYNDROME; Ataxia-telangiectasia, complementation group E. Identifiers: Orphanet 100, MedGen C0004135, MONDO:0008840, OMIM 208900.
Familial cancer of breast. Also called: Hereditary breast cancer; BREAST CANCER, FAMILIAL; hereditary breast carcinoma. Identifiers: Orphanet 227535, MedGen C0346153, MONDO:0016419, OMIM 114480. Disease mechanism: loss of function.

Submissions (3):

Labcorp Genetics (formerly Invitae), Labcorp
Classification: Likely benign for Ataxia-telangiectasia syndrome. Last evaluated: 2025-06-20. Review status: criteria provided, single submitter. Criteria: Invitae Variant Classification Sherloc (09022015). Collection method: clinical testing. Allele origin: germline.

Myriad Genetics, Inc.
Classification: Benign for Familial cancer of breast. Last evaluated: 2024-05-21. Review status: criteria provided, single submitter. Criteria: Myriad Autosomal Dominant, Autosomal Recessive and X-Linked Classification Criteria (2023). Collection method: clinical testing. Allele origin: unknown.
Comment: This variant is considered benign. This variant is a silent/synonymous amino acid change and it is not expected to impact splicing.

Ambry Genetics
Classification: Likely benign for Hereditary cancer-predisposing syndrome. Last evaluated: 2023-08-10. Review status: criteria provided, single submitter. Criteria: Ambry Variant Classification Scheme 2023. Collection method: clinical testing. Allele origin: germline.